The following is an entry in ClinVar:

NM_000038.6(APC):c.384A>T (p.Arg128Ser)

Gene: APC (APC regulator of Wnt signaling pathway; plus strand). Cytogenetic location: 5q22.2.
Variant type: single nucleotide variant.
Coding change: c.384A>T on transcript NM_000038.6 (MANE Select); coding-DNA position 384, A replaced by T.
Protein change: p.Arg128Ser; replaces arginine 128 with serine.
Molecular consequence: missense variant. On other transcripts: 5 prime UTR variant (4), non-coding transcript variant (2).
Genome position (GRCh38, 1-based): chr5:112,767,352, A>T. VCF-style: chr5-112767352-A-T. GRCh37 (hg19) VCF-style: chr5-112103049-A-T.
Other names: c.384A>T, p.Arg128Ser (NM_001127510.3, NM_001354895.2, NM_001354896.2 and 16 more transcripts); c.414A>T, p.Arg138Ser (NM_001127511.3, NM_001354897.2, NM_001354902.2 and 1 more transcripts); c.309A>T, p.Arg103Ser (NM_001354898.2, NM_001354904.2, NM_001407451.1); c.207A>T, p.Arg69Ser (NM_001354900.2, NM_001354901.2, NM_001354905.2 and 1 more transcripts); c.-652A>T (NM_001354906.2, NM_001407470.1, NM_001407471.1 and 1 more transcripts); short protein forms R128S, R138S, R69S, R103S.
Identifiers: ClinVar variation 4568577 (VCV004568577.1).

ClinVar aggregate classification (germline): Uncertain significance (1 of 4 stars; one submission).

Conditions:
Hereditary cancer-predisposing syndrome. Also called: Neoplastic Syndromes, Hereditary; Tumor predisposition; Hereditary Cancer Syndrome; Hereditary neoplastic syndrome. Identifiers: Orphanet 140162, MedGen C0027672, MeSH D009386, MONDO:0015356.

Submission:

Ambry Genetics
Classification: Uncertain significance for Hereditary cancer-predisposing syndrome. Last evaluated: 2025-11-22. Review status: criteria provided, single submitter. Criteria: Ambry Variant Classification Scheme 2023. Collection method: clinical testing. Allele origin: germline.
Comment: The p.R128S variant (also known as c.384A>T), located in coding exon 3 of the APC gene, results from an A to T substitution at nucleotide position 384. The arginine at codon 128 is replaced by serine, an amino acid with dissimilar properties. This amino acid position is conserved. In addition, in silico predictors for this gene do not accurately predict pathogenicity. Based on the available evidence, the clinical significance of this variant remains unclear.